The following is an entry in ClinVar:

NM_022835.3(PLEKHG2):c.406G>A (p.Gly136Arg)

Gene: PLEKHG2 (pleckstrin homology and RhoGEF domain containing G2; plus strand). Cytogenetic location: 19q13.2.
Variant type: single nucleotide variant.
Coding change: c.406G>A on transcript NM_022835.3 (MANE Select); coding-DNA position 406, G replaced by A.
Protein change: p.Gly136Arg; replaces glycine 136 with arginine.
Molecular consequence: missense variant.
Genome position (GRCh38, 1-based): chr19:39,415,366, G>A. VCF-style: chr19-39415366-G-A. GRCh37 (hg19) VCF-style: chr19-39906006-G-A.
Other names: c.229G>A, p.Gly77Arg (NM_001351693.2); c.406G>A, p.Gly136Arg (NM_001351694.2); short protein forms G136R, G77R.
Identifiers: ClinVar variation 725852 (VCV000725852.19), dbSNP rs141910004, ClinGen allele CA9429057.

ClinVar aggregate classification (germline): Conflicting classifications of pathogenicity. Review status: criteria provided, conflicting classifications (1 of 4 stars). 3 submissions from 3 submitters: Uncertain significance (1); Likely benign (2). Last evaluated 2026-01-25.

Allele frequency attached by ClinVar (database versions not stated): gnomAD exomes 0.00025 and 0.00059; ExAC 0.00083; 1000 Genomes Project 0.00120; 1000 Genomes Project 30x 0.00141; gnomAD 0.00256 and 0.00277; TOPMed 0.00278; ESP Exome Variant Server 0.00377.

Submissions (3):

Labcorp Genetics (formerly Invitae), Labcorp
Classification: Likely benign. Last evaluated: 2026-01-25. Review status: criteria provided, single submitter. Criteria: Invitae Variant Classification Sherloc (09022015). Collection method: clinical testing. Allele origin: germline.

Ambry Genetics
Classification: Uncertain significance. Last evaluated: 2025-08-03. Review status: criteria provided, single submitter. Criteria: Ambry Variant Classification Scheme 2023. Collection method: clinical testing. Allele origin: germline.

CeGaT Center for Human Genetics Tuebingen
Classification: Likely benign. Last evaluated: 2025-07-01. Review status: criteria provided, single submitter. Criteria: CeGaT Center For Human Genetics Tuebingen Variant Classification Criteria Version 2. Collection method: clinical testing. Allele origin: germline. Affected: yes. Observed: 1 variant allele.
Comment: PLEKHG2: BP4